The following is an entry in ClinVar:

NM_153460.4(IL17RC):c.367G>A (p.Ala123Thr)

Gene: IL17RC (interleukin 17 receptor C; plus strand). Cytogenetic location: 3p25.3.
Variant type: single nucleotide variant.
Coding change: c.367G>A on transcript NM_153460.4 (MANE Select); coding-DNA position 367, G replaced by A.
Protein change: p.Ala123Thr; replaces alanine 123 with threonine.
Molecular consequence: missense variant. On other transcripts: non-coding transcript variant (1).
Genome position (GRCh38, 1-based): chr3:9,918,511, G>A. VCF-style: chr3-9918511-G-A. GRCh37 (hg19) VCF-style: chr3-9960195-G-A.
Other names: c.367G>A, p.Ala123Thr (NM_001203263.2, NM_001203264.2, NM_001203265.2 and 3 more transcripts); c.292G>A, p.Ala98Thr (NM_001367279.1); c.580G>A, p.Ala194Thr (NM_153461.4); short protein forms A123T, A194T, A98T.
Identifiers: ClinVar variation 1053060 (VCV001053060.5), dbSNP rs934029866, ClinGen allele CA70010979.

ClinVar aggregate classification (germline): Uncertain significance (1 of 4 stars; one submission).

Conditions:
Candidiasis, familial, 9 (CANDF9). Identifiers: Orphanet 1334, MedGen C4225324, MONDO:0014642, OMIM 616445.

Allele frequency attached by ClinVar (database versions not stated): gnomAD 0.00001; TOPMed 0.00001.

Submission:

Labcorp Genetics (formerly Invitae), Labcorp
Classification: Uncertain significance for Candidiasis, familial, 9. Last evaluated: 2024-11-13. Review status: criteria provided, single submitter. Criteria: Invitae Variant Classification Sherloc (09022015). Collection method: clinical testing. Allele origin: germline.
Comment: This sequence change replaces alanine, which is neutral and non-polar, with threonine, which is neutral and polar, at codon 194 of the IL17RC protein (p.Ala194Thr). This variant is not present in population databases (gnomAD no frequency). This variant has not been reported in the literature in individuals affected with IL17RC-related conditions. ClinVar contains an entry for this variant (Variation ID: 1053060). An algorithm developed to predict the effect of missense changes on protein structure and function (PolyPhen-2) suggests that this variant is likely to be disruptive. In summary, the available evidence is currently insufficient to determine the role of this variant in disease. Therefore, it has been classified as a Variant of Uncertain Significance.